The following is an entry in ClinVar:

ClinVar aggregate classification (germline): Uncertain significance (1 of 4 stars; one submission).

Conditions:
Niemann-Pick disease, type C1. Also called: NEUROVISCERAL STORAGE DISEASE WITH VERTICAL SUPRANUCLEAR OPHTHALMOPLEGIA; NIEMANN-PICK DISEASE WITH CHOLESTEROL ESTERIFICATION BLOCK; NIEMANN-PICK DISEASE WITHOUT SPHINGOMYELINASE DEFICIENCY; NIEMANN-PICK DISEASE, CHRONIC NEURONOPATHIC FORM; NIEMANN-PICK DISEASE, VARIANT TYPE C1. Identifiers: Orphanet 646, MedGen C3179455, MONDO:0009757, OMIM 257220.

Allele frequency attached by ClinVar (database versions not stated): TOPMed 0.00003; ExAC 0.00002; gnomAD 0.00003.
gnomAD v4.1: 26 of 1,614,060 alleles (0.0016%); highest among the groups gnomAD compares: African/African-American, 0.004%; no homozygotes.

Submission:

Labcorp Genetics (formerly Invitae), Labcorp
Classification: Uncertain significance for Niemann-Pick disease, type C1. Last evaluated: 2022-01-26. Review status: criteria provided, single submitter. Criteria: Invitae Variant Classification Sherloc (09022015). Collection method: clinical testing. Allele origin: germline.
Comment: This sequence change replaces isoleucine, which is neutral and non-polar, with threonine, which is neutral and polar, at codon 1095 of the NPC1 protein (p.Ile1095Thr). This variant is present in population databases (rs749812002, gnomAD 0.004%). This variant has not been reported in the literature in individuals affected with NPC1-related conditions. Algorithms developed to predict the effect of missense changes on protein structure and function (SIFT, PolyPhen-2, Align-GVGD) all suggest that this variant is likely to be tolerated. In summary, the available evidence is currently insufficient to determine the role of this variant in disease. Therefore, it has been classified as a Variant of Uncertain Significance.

NM_000271.5(NPC1):c.3284T>C (p.Ile1095Thr)

Gene: NPC1 (NPC intracellular cholesterol transporter 1; minus strand). Cytogenetic location: 18q11.2.
Variant type: single nucleotide variant.
Coding change: c.3284T>C on transcript NM_000271.5 (MANE Select); coding-DNA position 3284, T replaced by C.
Protein change: p.Ile1095Thr; replaces isoleucine 1095 with threonine.
Molecular consequence: missense variant.
Genome position (GRCh38, 1-based): chr18:23,535,662, A>G on the plus strand (T>C on the coding strand, the complement: NPC1 is on the minus strand). VCF-style: chr18-23535662-A-G. GRCh37 (hg19) VCF-style: chr18-21115626-A-G.
Other names: short protein forms I1095T.
Identifiers: ClinVar variation 2172554 (VCV002172554.1), dbSNP rs749812002, ClinGen allele CA8912807.